The following is an entry in ClinVar:

NM_182961.4(SYNE1):c.8535T>G (p.Tyr2845Ter)

Genes: SYNE1 (spectrin repeat containing nuclear envelope protein 1; minus strand), LOC126859838 (CDK7 strongly-dependent group 2 enhancer GRCh37_chr6:152706655-152707854; plus strand). Cytogenetic location: 6q25.2.
Variant type: single nucleotide variant.
Coding change: c.8535T>G on transcript NM_182961.4 (MANE Select); coding-DNA position 8535, T replaced by G.
Protein change: p.Tyr2845Ter; replaces tyrosine 2845 with a stop codon.
Molecular consequence: nonsense.
Genome position (GRCh38, 1-based): chr6:152,385,791, A>C on the plus strand (T>G on the coding strand, the complement: SYNE1 is on the minus strand). VCF-style: chr6-152385791-A-C. GRCh37 (hg19) VCF-style: chr6-152706926-A-C.
Other names: c.8556T>G, p.Tyr2852Ter (NM_033071.5); short protein forms Y2845*, Y2852*.
Identifiers: ClinVar variation 384004 (VCV000384004.3), dbSNP rs1057521813, ClinGen allele CA16605481.
Genomic context (GRCh38, chr6:152,385,791, plus strand): 5'-CCGGTGAAGTTCTTCCTTTGCTGAATGGAGCCAATCTGTGAACTCGTGGACCGCATCTAA[A>C]TACATTAGATGATCTTTCACAATCTCTTCCACTTTCCTCATTTTTTCCTAGTAAACAAAG-3'

ClinVar aggregate classification (germline): Likely pathogenic (1 of 4 stars; one submission).

Submission:

GeneDx
Classification: Likely pathogenic. Last evaluated: 2023-10-23. Review status: criteria provided, single submitter. Criteria: GeneDx Variant Classification Process June 2021. Collection method: clinical testing. Allele origin: germline. Affected: yes.
Comment: Nonsense variant predicted to result in protein truncation or nonsense mediated decay in a gene for which loss of function is a known mechanism of disease; Not observed at significant frequency in large population cohorts (gnomAD); Has not been previously published as pathogenic or benign to our knowledge